The following is an entry in ClinVar:

NM_053025.4(MYLK):c.431T>G (p.Phe144Cys)

Gene: MYLK (myosin light chain kinase; minus strand). Cytogenetic location: 3q21.1.
Variant type: single nucleotide variant.
Coding change: c.431T>G on transcript NM_053025.4 (MANE Select); coding-DNA position 431, T replaced by G.
Protein change: p.Phe144Cys; replaces phenylalanine 144 with cysteine.
Molecular consequence: missense variant. On other transcripts: 5 prime UTR variant (1).
Genome position (GRCh38, 1-based): chr3:123,739,054, A>C on the plus strand (T>G on the coding strand, the complement: MYLK is on the minus strand). VCF-style: chr3-123739054-A-C. GRCh37 (hg19) VCF-style: chr3-123457901-A-C.
Other names: c.-98T>G (NM_001321309.2); c.431T>G, p.Phe144Cys (NM_053026.4, NM_053027.4, NM_053028.4); short protein forms F144C.
Identifiers: ClinVar variation 2057749 (VCV002057749.4), dbSNP rs2474625291, ClinGen allele CA354242054.

ClinVar aggregate classification (germline): Uncertain significance (1 of 4 stars; one submission).

Conditions:
Aortic aneurysm, familial thoracic 7 (AAT7). Also called: AORTIC DISSECTION, FAMILIAL, WITH OR WITHOUT AORTIC ANEURYSM. Identifiers: MedGen C3151077, MONDO:0013418, OMIM 613780.

Submission:

Labcorp Genetics (formerly Invitae), Labcorp
Classification: Uncertain significance for Aortic aneurysm, familial thoracic 7. Last evaluated: 2022-05-12. Review status: criteria provided, single submitter. Criteria: Invitae Variant Classification Sherloc (09022015). Collection method: clinical testing. Allele origin: germline.
Comment: This variant has not been reported in the literature in individuals affected with MYLK-related conditions. This variant is not present in population databases (gnomAD no frequency). This sequence change replaces phenylalanine, which is neutral and non-polar, with cysteine, which is neutral and slightly polar, at codon 144 of the MYLK protein (p.Phe144Cys). Advanced modeling of protein sequence and biophysical properties (such as structural, functional, and spatial information, amino acid conservation, physicochemical variation, residue mobility, and thermodynamic stability) performed at Invitae indicates that this missense variant is not expected to disrupt MYLK protein function. In summary, the available evidence is currently insufficient to determine the role of this variant in disease. Therefore, it has been classified as a Variant of Uncertain Significance.